The following is an entry in ClinVar:

ClinVar aggregate classification (germline): Pathogenic/Likely pathogenic. Review status: criteria provided, multiple submitters, no conflicts (2 of 4 stars). 2 submissions from 2 submitters: Pathogenic (1); Likely pathogenic (1). Last evaluated 2025-11-12.

Conditions:
SCLT1-related disorder. Also called: SCLT1-related condition.

Submissions (2):

Labcorp Genetics (formerly Invitae), Labcorp
Classification: Pathogenic. Last evaluated: 2025-11-12. Review status: criteria provided, single submitter. Criteria: Invitae Variant Classification Sherloc (09022015). Collection method: clinical testing. Allele origin: germline.
Comment: This sequence change creates a premature translational stop signal (p.Ala424Serfs*12) in the SCLT1 gene. It is expected to result in an absent or disrupted protein product. Loss-of-function variants in SCLT1 are known to be pathogenic (PMID: 28005958). The frequency data for this variant in the population databases is considered unreliable, as metrics indicate poor data quality at this position in the gnomAD database. This variant has not been reported in the literature in individuals affected with SCLT1-related conditions. ClinVar contains an entry for this variant (Variation ID: 3004250). For these reasons, this variant has been classified as Pathogenic.

Blueprint Genetics
Classification: Likely pathogenic for SCLT1-related disorders. Last evaluated: 2020-09-10. Review status: criteria provided, single submitter. Criteria: ACMG Guidelines, 2015. Collection method: clinical testing. Allele origin: germline. Affected: yes. Observed: 1 variant allele.

Literature cited by the submitters: PubMed 28005958 (cited by Labcorp Genetics (formerly Invitae), Labcorp).

NM_144643.4(SCLT1):c.1269dup (p.Ala424fs)

Gene: SCLT1 (sodium channel and clathrin linker 1; minus strand). Cytogenetic location: 4q28.2.
Variant type: Duplication.
Coding change: c.1269dup on transcript NM_144643.4 (MANE Select); coding-DNA position 1269, one base duplicated (A; older notation c.1269dupA).
Protein change: p.Ala424fs; shifts the reading frame from alanine 424.
Molecular consequence: frameshift variant.
Genome position (GRCh38, 1-based): chr4:128,948,520, T duplicated on the plus strand (A on the coding strand, the reverse complement: SCLT1 is on the minus strand); the first of 8 consecutive T bases (chr4:128,948,520-128,948,527); duplicating any one gives the same sequence. VCF-style (leftmost placement, unchanged base first): chr4-128948519-C-CT. GRCh37 (hg19) VCF-style: chr4-129869674-C-CT.
Other names: c.1269dup, p.Ala424fs (NM_001410807.1); short protein forms A424fs.
Identifiers: ClinVar variation 3004250 (VCV003004250.4), dbSNP rs781735051, ClinGen allele CA3079677.